The following is an entry in ClinVar:

NM_015021.3(ZNF292):c.4033_4035del (p.Lys1345del)

Gene: ZNF292 (zinc finger protein 292; plus strand). Cytogenetic location: 6q14.3.
Variant type: Deletion.
Coding change: c.4033_4035del on transcript NM_015021.3 (MANE Select); coding-DNA positions 4033 to 4035, 3 bases deleted (AAA; older notation c.4033_4035delAAA).
Protein change: p.Lys1345del; deletes lysine 1345.
Molecular consequence: inframe deletion.
Genome position (GRCh38, 1-based): chr6:87,257,662-87,257,664, AAA deleted; deleting any 3 consecutive bases within chr6:87,257,659-87,257,664 gives the same sequence; the c. name uses the placement nearest the transcript's 3' end. VCF-style (leftmost placement, unchanged base first): chr6-87257658-TAAA-T. GRCh37 (hg19) VCF-style: chr6-87967376-TAAA-T.
Other names: c.3613_3615del, p.Lys1205del (NM_001351444.2); short protein forms K1205del, K1345del.
Identifiers: ClinVar variation 2662586 (VCV002662586.1), dbSNP rs2482322258, ClinGen allele CA2679603972.
Genomic context (GRCh38, chr6:87,257,658, plus strand): 5'-AGTGAATGTTGCAAATAACTTCAGTAGCACCAATGCCCAACAGTCTGCACCTGAAAAAGT[TAAA>T]AAAGACCGTGGGCGGGGCCCAAATGGGAAGGAAAGAAAACCTAAGCACAACAAAAGGGCT-3'

ClinVar aggregate classification (germline): Uncertain significance (1 of 4 stars; one submission).

Submission:

GeneDx
Classification: Uncertain significance. Last evaluated: 2023-05-11. Review status: criteria provided, single submitter. Criteria: GeneDx Variant Classification Process June 2021. Collection method: clinical testing. Allele origin: germline. Affected: yes.
Comment: Not observed at significant frequency in large population cohorts (gnomAD); In-frame deletion of 1 amino acid in a non-repeat region; In silico analysis supports a deleterious effect on protein structure/function; Has not been previously published as pathogenic or benign to our knowledge